The following is an entry in ClinVar:

ClinVar aggregate classification (germline): Conflicting classifications of pathogenicity. Review status: criteria provided, conflicting classifications (1 of 4 stars). 4 submissions from 4 submitters: Uncertain significance (1); Benign (1); Likely benign (1). 1 of the submissions does not count toward it. Last evaluated 2025-05-01.

Conditions:
Pseudohypoaldosteronism type 2B (PHA2B). Also called: Pseudohypoaldosteronism Type IIB. Identifiers: Orphanet 757, Orphanet 88939, MedGen C1840390, MONDO:0013777, OMIM 614491.

Allele frequency attached by ClinVar (database versions not stated): gnomAD 0.00006 and 0.00008; gnomAD exomes 0.00006; TOPMed 0.00011; ExAC 0.00012.
gnomAD v4.1: 106 of 1,612,208 alleles (0.0066%); highest among the groups gnomAD compares: South Asian, 0.023%; 1 homozygote.

Submissions (4):

Labcorp Genetics (formerly Invitae), Labcorp
Classification: Likely benign. Last evaluated: 2025-05-01. Review status: criteria provided, single submitter. Criteria: Invitae Variant Classification Sherloc (09022015). Collection method: clinical testing. Allele origin: germline.

Fulgent Genetics
Classification: Uncertain significance for Pseudohypoaldosteronism type 2B. Last evaluated: 2024-04-20. Review status: criteria provided, single submitter. Criteria: ACMG Guidelines, 2015. Collection method: clinical testing. Allele origin: germline.

Illumina Laboratory Services, Illumina
Classification: Benign for Pseudohypoaldosteronism type 2B. Last evaluated: 2018-01-13. Review status: criteria provided, single submitter. Criteria: ICSL Variant Classification Criteria 13 December 2019. Collection method: clinical testing. Allele origin: germline.
Comment: This variant was observed in the ICSL laboratory as part of a predisposition screen in an ostensibly healthy population. It had not been previously curated by ICSL or reported in the Human Gene Mutation Database (HGMD: prior to June 1st, 2018), and was therefore a candidate for classification through an automated scoring system. Utilizing variant allele frequency, disease prevalence and penetrance estimates, and inheritance mode, an automated score was calculated to assess if this variant is too frequent to cause the disease. Based on the score and internal cut-off values, a variant classified as benign is not then subjected to further curation. The score for this variant resulted in a classification of benign for this disease.

Martin Pollak Laboratory,  Beth Israel Deaconess Medical Center
Classification: Uncertain significance. Review status: no assertion criteria provided. Collection method: not provided. Allele origin: unknown. Not counted in ClinVar's aggregate classification.
Comment: Lower UCa2+ group
ClinVar note: Converted during submission from unknown to Uncertain significance.

NM_032387.5(WNK4):c.1323A>T (p.Glu441Asp)

Gene: WNK4 (WNK lysine deficient protein kinase 4; plus strand). Cytogenetic location: 17q21.2.
Variant type: single nucleotide variant.
Coding change: c.1323A>T on transcript NM_032387.5 (MANE Select); coding-DNA position 1323, A replaced by T.
Protein change: p.Glu441Asp; replaces glutamic acid 441 with aspartic acid.
Molecular consequence: missense variant.
Genome position (GRCh38, 1-based): chr17:42,785,329, A>T. VCF-style: chr17-42785329-A-T. GRCh37 (hg19) VCF-style: chr17-40937347-A-T.
Other names: c.315A>T, p.Glu105Asp (NM_001321299.2); short protein forms E441D, E105D.
Identifiers: ClinVar variation 64595 (VCV000064595.8), dbSNP rs387907562, ClinGen allele CA216476.